The following is an entry in ClinVar:

NM_000240.4(MAOA):c.1253A>G (p.Gln418Arg)

Gene: MAOA (monoamine oxidase A; plus strand). Cytogenetic location: Xp11.3.
Variant type: single nucleotide variant.
Coding change: c.1253A>G on transcript NM_000240.4 (MANE Select); coding-DNA position 1253, A replaced by G.
Protein change: p.Gln418Arg; replaces glutamine 418 with arginine.
Molecular consequence: missense variant.
Genome position (GRCh38, 1-based): chrX:43,742,038, A>G. VCF-style: chrX-43742038-A-G. GRCh37 (hg19) VCF-style: chrX-43601285-A-G.
Other names: c.854A>G, p.Gln285Arg (NM_001270458.2); short protein forms Q285R, Q418R.
Identifiers: ClinVar variation 2012172 (VCV002012172.4), dbSNP rs1463566783, ClinGen allele CA413009825.
Genomic context (GRCh38, chrX:43,742,038, plus strand): 5'-GTGAGGAGCAGTACTCTGGGGGCTGCTACACGGCCTACTTCCCTCCTGGGATCATGACTC[A>G]ATATGGAAGGTATTACGCAAGCACTACGCCAATTAATCCAAGACCTGTGCCAAATTTAAA-3'
Protein context (NP_000231.1, residues 408-428): TAYFPPGIMT[Gln418Arg]YGRVIRQPVG

ClinVar aggregate classification (germline): Uncertain significance (1 of 4 stars; one submission).

Conditions:
Brunner syndrome (BRNRS). Identifiers: Orphanet 3057, MedGen C0796275, MONDO:0010379, OMIM 300615.

Allele frequency attached by ClinVar (database versions not stated): gnomAD exomes below 0.00001.
gnomAD v4.1: 3 of 1,211,496 alleles (0.00025%); highest among the groups gnomAD compares: East Asian, 0.003%; no homozygotes.

Submission:

Labcorp Genetics (formerly Invitae), Labcorp
Classification: Uncertain significance for Brunner syndrome. Last evaluated: 2022-07-14. Review status: criteria provided, single submitter. Criteria: Invitae Variant Classification Sherloc (09022015). Collection method: clinical testing. Allele origin: germline.
Comment: The frequency data for this variant in the population databases is considered unreliable, as metrics indicate poor data quality at this position in the gnomAD database. This sequence change replaces glutamine, which is neutral and polar, with arginine, which is basic and polar, at codon 418 of the MAOA protein (p.Gln418Arg). This variant has not been reported in the literature in individuals affected with MAOA-related conditions. In summary, the available evidence is currently insufficient to determine the role of this variant in disease. Therefore, it has been classified as a Variant of Uncertain Significance. Algorithms developed to predict the effect of missense changes on protein structure and function output the following: SIFT: "Tolerated"; PolyPhen-2: "Benign"; Align-GVGD: "Class C0". The arginine amino acid residue is found in multiple mammalian species, which suggests that this missense change does not adversely affect protein function.